The following is an entry in ClinVar:

ClinVar aggregate classification (germline): Likely benign (0 of 4 stars; one submission).

Conditions:
NOBOX-related disorder. Also called: NOBOX-related condition.

gnomAD v4.1: 33 of 1,536,990 alleles (0.0021%); highest among the groups gnomAD compares: South Asian, 0.0048%; no homozygotes.

Submission:

PreventionGenetics, part of Exact Sciences
Classification: Likely benign for NOBOX-related condition. Last evaluated: 2019-05-08. Review status: no assertion criteria provided. Collection method: clinical testing. Allele origin: germline.
Comment: This variant is classified as likely benign based on ACMG/AMP sequence variant interpretation guidelines (Richards et al. 2015 PMID: 25741868, with internal and published modifications).

NM_001436401.1(NOBOX):c.1299G>A (p.Thr433=)

Gene: NOBOX (NOBOX oogenesis homeobox; minus strand). Cytogenetic location: 7q35.
Variant type: single nucleotide variant.
Coding change: c.1299G>A on transcript NM_001436401.1 (MANE Select); coding-DNA position 1299, G replaced by A.
Protein change: p.Thr433=; no amino-acid change (threonine 433 retained).
Molecular consequence: synonymous variant.
Genome position (GRCh38, 1-based): chr7:144,398,406, C>T on the plus strand (G>A on the coding strand, the complement: NOBOX is on the minus strand). VCF-style: chr7-144398406-C-T. GRCh37 (hg19) VCF-style: chr7-144095499-C-T.
Other names: NM_001080413.3:c.1650G>A; c.747G>A, p.Thr249= (NM_001436402.1).
Identifiers: ClinVar variation 3352643 (VCV003352643.1).
Genomic context (GRCh38, chr7:144,398,406, plus strand): 5'-CGATGTGCCCCCGCTGGGGCCACAGGGAAACATAAAGAGAGAGTCTTCGGGCGGTGGAAG[C>T]GTCAGTGAACTGGGCATGGAGAAGGGGAAAGTGGGGAGGTAGGGCAACTTGGGCTGAGGG-3'
Protein context (NP_001423330.1, residues 423-443): TFPFSMPSSL[Thr433=]LPPPEDSLFM